The following is an entry in ClinVar:

NM_018136.5(ASPM):c.10006G>A (p.Val3336Ile)

Gene: ASPM (assembly factor for spindle microtubules; minus strand). Cytogenetic location: 1q31.3.
Variant type: single nucleotide variant.
Coding change: c.10006G>A on transcript NM_018136.5 (MANE Select); coding-DNA position 10006, G replaced by A.
Protein change: p.Val3336Ile; replaces valine 3336 with isoleucine.
Molecular consequence: missense variant.
Genome position (GRCh38, 1-based): chr1:197,088,411, C>T on the plus strand (G>A on the coding strand, the complement: ASPM is on the minus strand). VCF-style: chr1-197088411-C-T. GRCh37 (hg19) VCF-style: chr1-197057541-C-T.
Other names: c.5251G>A, p.Val1751Ile (NM_001206846.2); short protein forms V3336I, V1751I.
Identifiers: ClinVar variation 874778 (VCV000874778.11), dbSNP rs951343801, ClinGen allele CA35861110.

ClinVar aggregate classification (germline): Uncertain significance. Review status: criteria provided, multiple submitters, no conflicts (2 of 4 stars). 4 submissions from 4 submitters: Uncertain significance (4). Last evaluated 2025-03-28.

Conditions:
Microcephaly 5, primary, autosomal recessive (MCPH5). Also called: ASPM Primary Microcephaly. Identifiers: Orphanet 2512, MedGen C1837501, MONDO:0012106, OMIM 608716.
Inborn genetic diseases. Identifiers: MedGen C0950123, MeSH D030342.

Allele frequency attached by ClinVar (database versions not stated): gnomAD exomes below 0.00001; TOPMed 0.00003; gnomAD 0.00004.
gnomAD v4.1: 10 of 1,605,346 alleles (0.00062%); highest among the groups gnomAD compares: Middle Eastern, 0.017%; no homozygotes.

Submissions (4):

Ambry Genetics
Classification: Uncertain significance for Inborn genetic diseases. Last evaluated: 2025-03-28. Review status: criteria provided, single submitter. Criteria: Ambry Variant Classification Scheme 2023. Collection method: clinical testing. Allele origin: germline.

Genome-Nilou Lab
Classification: Uncertain significance for Microcephaly 5, primary, autosomal recessive. Last evaluated: 2023-04-11. Review status: criteria provided, single submitter. Criteria: ACMG Guidelines, 2015. Collection method: clinical testing. Allele origin: germline. Affected: no.

Labcorp Genetics (formerly Invitae), Labcorp
Classification: Uncertain significance. Last evaluated: 2021-08-20. Review status: criteria provided, single submitter. Criteria: Invitae Variant Classification Sherloc (09022015). Collection method: clinical testing. Allele origin: germline.
Comment: In summary, the available evidence is currently insufficient to determine the role of this variant in disease. Therefore, it has been classified as a Variant of Uncertain Significance. Algorithms developed to predict the effect of missense changes on protein structure and function output the following: SIFT: "Deleterious"; PolyPhen-2: "Benign"; Align-GVGD: "Class C0". The isoleucine amino acid residue is found in multiple mammalian species, which suggests that this missense change does not adversely affect protein function. ClinVar contains an entry for this variant (Variation ID: 874778). This variant has not been reported in the literature in individuals affected with ASPM-related conditions. This variant is not present in population databases (ExAC no frequency). This sequence change replaces valine with isoleucine at codon 3336 of the ASPM protein (p.Val3336Ile). The valine residue is highly conserved and there is a small physicochemical difference between valine and isoleucine.

Illumina Laboratory Services, Illumina
Classification: Uncertain significance for Microcephaly 5, primary, autosomal recessive. Last evaluated: 2018-01-12. Review status: criteria provided, single submitter. Criteria: ICSL Variant Classification Criteria 13 December 2019. Collection method: clinical testing. Allele origin: germline.